The following is an entry in ClinVar:

ClinVar aggregate classification (germline): Likely pathogenic (1 of 4 stars; one submission).

Submission:

Labcorp Genetics (formerly Invitae), Labcorp
Classification: Likely pathogenic. Last evaluated: 2022-03-11. Review status: criteria provided, single submitter. Criteria: Invitae Variant Classification Sherloc (09022015). Collection method: clinical testing. Allele origin: germline.
Comment: Advanced modeling of protein sequence and biophysical properties (such as structural, functional, and spatial information, amino acid conservation, physicochemical variation, residue mobility, and thermodynamic stability) performed at Invitae indicates that this missense variant is expected to disrupt BEST1 protein function. In summary, the currently available evidence indicates that the variant is pathogenic, but additional data are needed to prove that conclusively. Therefore, this variant has been classified as Likely Pathogenic. This variant disrupts the p.Arg218 amino acid residue in BEST1. Other variant(s) that disrupt this residue have been determined to be pathogenic (PMID: 21878505, 23825107, 28687848, 29781975). This suggests that this residue is clinically significant, and that variants that disrupt this residue are likely to be disease-causing. This variant has not been reported in the literature in individuals affected with BEST1-related conditions. This variant is not present in population databases (gnomAD no frequency). This sequence change replaces arginine, which is basic and polar, with leucine, which is neutral and non-polar, at codon 218 of the BEST1 protein (p.Arg218Leu).

Literature cited by the submitters: PubMed 21878505; PubMed 23825107; PubMed 28687848; PubMed 29781975.

NM_004183.4(BEST1):c.653G>T (p.Arg218Leu)

Gene: BEST1 (bestrophin 1; plus strand). Cytogenetic location: 11q12.3.
Variant type: single nucleotide variant.
Coding change: c.653G>T on transcript NM_004183.4 (MANE Select); coding-DNA position 653, G replaced by T.
Protein change: p.Arg218Leu; replaces arginine 218 with leucine.
Molecular consequence: missense variant. On other transcripts: non-coding transcript variant (1).
Genome position (GRCh38, 1-based): chr11:61,957,403, G>T. VCF-style: chr11-61957403-G-T. GRCh37 (hg19) VCF-style: chr11-61724875-G-T.
Other names: c.473G>T, p.Arg158Leu (NM_001139443.3, NM_001300786.2, NM_001300787.2); c.335G>T, p.Arg112Leu (NM_001363591.3); c.653G>T, p.Arg218Leu (NM_001363592.2); c.-523G>T (NM_001363593.3); short protein forms R112L, R218L, R158L.
Identifiers: ClinVar variation 2109494 (VCV002109494.4), dbSNP rs281865239, ClinGen allele CA380838414.